The following is an entry in ClinVar:

ClinVar aggregate classification (germline): Uncertain significance. Review status: criteria provided, single submitter (1 of 4 stars). 2 submissions from 2 submitters: Uncertain significance (1). 1 of the submissions does not count toward it. Last evaluated 2024-09-13.

Conditions:
Cardiovascular phenotype. Identifiers: MedGen CN230736.
Alstrom syndrome (ALMS). Identifiers: Orphanet 64, MedGen C0268425, MONDO:0008763, OMIM 203800.

Submissions (2):

Ambry Genetics
Classification: Uncertain significance for Cardiovascular phenotype. Last evaluated: 2024-09-13. Review status: criteria provided, single submitter. Criteria: Ambry Variant Classification Scheme 2023. Collection method: clinical testing. Allele origin: germline.
Comment: The c.66_67insAAG variant (also known as p.E22_E23insK), located in coding exon 1 of the ALMS1 gene, results from an in-frame AAG insertion at nucleotide positions 66 to 67. This results in the insertion of an extra lysine residue between codons 22 and 23. This amino acid position is not well conserved in available vertebrate species, and lysine is the reference amino acid in other vertebrate species. In addition, this alteration is predicted to be neutral by in silico analysis (Choi Y et al. PLoS ONE. 2012; 7(10):e46688). Since supporting evidence is limited at this time, the clinical significance of this alteration remains unclear.

Counsyl
Classification: Uncertain significance for Alstrom syndrome. Last evaluated: 2017-07-18. Review status: no assertion criteria provided. Collection method: clinical testing. Allele origin: unknown. Not counted in ClinVar's aggregate classification.

NM_001378454.1(ALMS1):c.63_64insAAG (p.Glu21_Glu22insLys)

Gene: ALMS1 (ALMS1 centrosome and basal body associated protein; plus strand). Cytogenetic location: 2p13.1.
Variant type: Insertion.
Coding change: c.63_64insAAG on transcript NM_001378454.1 (MANE Select); coding-DNA positions 63 to 64, AAG inserted.
Protein change: p.Glu21_Glu22insLys.
Molecular consequence: inframe insertion.
Genome position: GRCh38 VCF-style: chr2-73385929-G-GAGA. GRCh37 (hg19) VCF-style: chr2-73613057-G-GAGA.
Other names: c.66_67insAAG, p.Glu22_Glu23insLys (NM_015120.4).
Identifiers: ClinVar variation 552916 (VCV000552916.3), dbSNP rs905301935, ClinGen allele CA50368767.